The following is an entry in ClinVar:

ClinVar aggregate classification (germline): Pathogenic. Review status: reviewed by expert panel (3 of 4 stars). 2 submissions from 2 submitters: Pathogenic (1). 1 of the submissions does not count toward it. Last evaluated 2016-09-08.

Conditions:
Breast-ovarian cancer, familial, susceptibility to, 2 (BROVCA2). Also called: BRCA2 Hereditary Breast and Ovarian Cancer. Identifiers: Orphanet 145, MedGen C2675520, MONDO:0012933, OMIM 612555. Disease mechanism: loss of function.

Submissions (2):

Evidence-based Network for the Interpretation of Germline Mutant Alleles (ENIGMA)
Classification: Pathogenic for Breast-ovarian cancer, familial, susceptibility to, 2. Last evaluated: 2016-09-08. Review status: reviewed by expert panel. Criteria: ENIGMA BRCA1/2 Classification Criteria (2015). Collection method: curation. Allele origin: germline.
Comment: Variant allele predicted to encode a truncated non-functional protein.

Breast Cancer Information Core (BIC) (BRCA2)
Classification: Pathogenic for Breast-ovarian cancer, familial 2. Last evaluated: 2002-06-21. Review status: no assertion criteria provided. Collection method: clinical testing. Allele origin: germline. Affected: yes. Observed: 2 variant alleles. Not counted in ClinVar's aggregate classification.

NM_000059.4(BRCA2):c.5717_5718del (p.Asn1906fs)

Gene: BRCA2 (BRCA2 DNA repair associated; plus strand). Cytogenetic location: 13q13.1.
Variant type: Deletion.
Coding change: c.5717_5718del on transcript NM_000059.4 (MANE Select); coding-DNA positions 5717 to 5718, 2 bases deleted (AC; older notation c.5717_5718delAC).
Protein change: p.Asn1906fs; shifts the reading frame from asparagine 1906.
Molecular consequence: frameshift variant.
Genome position (GRCh38, 1-based): chr13:32,340,072-32,340,073, AC deleted. VCF-style (leftmost placement, unchanged base first): chr13-32340071-AAC-A. GRCh37 (hg19) VCF-style: chr13-32914208-AAC-A.
Other names: 5945delAC; c.5717_5718delAC (NM_000059.3); short protein forms N1906fs.
Identifiers: ClinVar variation 51914 (VCV000051914.4), dbSNP rs80359529, ClinGen allele CA023037.